The following is an entry in ClinVar:

NM_152513.4(MEI1):c.1969G>C (p.Glu657Gln)

Gene: MEI1 (meiotic double-stranded break formation protein 1; plus strand). Cytogenetic location: 22q13.2.
Variant type: single nucleotide variant.
Coding change: c.1969G>C on transcript NM_152513.4 (MANE Select); coding-DNA position 1969, G replaced by C.
Protein change: p.Glu657Gln; replaces glutamic acid 657 with glutamine.
Molecular consequence: missense variant.
Genome position (GRCh38, 1-based): chr22:41,758,382, G>C. VCF-style: chr22-41758382-G-C. GRCh37 (hg19) VCF-style: chr22-42154386-G-C.
Other names: short protein forms E657Q.
Identifiers: ClinVar variation 785687 (VCV000785687.6), dbSNP rs17002655, ClinGen allele CA10260383.

ClinVar aggregate classification (germline): Benign. Review status: criteria provided, multiple submitters, no conflicts (2 of 4 stars). 3 submissions from 3 submitters: Benign (2). 1 of the submissions does not count toward it. Last evaluated 2018-09-11.

Conditions:
MEI1-related disorder. Also called: MEI1-related condition.

Allele frequency attached by ClinVar (database versions not stated): gnomAD 0.01755 and 0.01892; TOPMed 0.02006; ExAC 0.00532; 1000 Genomes Project 30x 0.02092; gnomAD exomes 0.00426 and 0.00165; 1000 Genomes Project 0.02017; ESP Exome Variant Server 0.02063.
gnomAD v4.1: 5,162 of 1,613,454 alleles (0.32%); highest among the groups gnomAD compares: African/African-American, 6.1%; 159 homozygotes.

Submissions (3):

Labcorp Genetics (formerly Invitae), Labcorp
Classification: Benign. Last evaluated: 2018-09-11. Review status: criteria provided, single submitter. Criteria: Invitae Variant Classification Sherloc (09022015). Collection method: clinical testing. Allele origin: germline.

Breakthrough Genomics
Classification: Benign. Review status: criteria provided, single submitter. Criteria: ACMG Guidelines, 2015. Collection method: not provided. Allele origin: germline. Inheritance: Autosomal recessive inheritance. Affected: yes.

PreventionGenetics, part of Exact Sciences
Classification: Benign for MEI1-related condition. Last evaluated: 2019-03-12. Review status: no assertion criteria provided. Collection method: clinical testing. Allele origin: germline. Not counted in ClinVar's aggregate classification.
Comment: This variant is classified as benign based on ACMG/AMP sequence variant interpretation guidelines (Richards et al. 2015 PMID: 25741868, with internal and published modifications).